The following is an entry in ClinVar:

ClinVar aggregate classification (germline): Benign (0 of 4 stars; one submission).

Conditions:
GLI1-related disorder. Also called: GLI1-related condition.

Allele frequency attached by ClinVar (database versions not stated): ExAC 0.03507; gnomAD 0.05593; 1000 Genomes Project 0.06170; TOPMed 0.06220; ESP Exome Variant Server 0.06243; 1000 Genomes Project 30x 0.06355.
gnomAD v4.1: 41,813 of 1,613,368 alleles (2.6%); highest among the groups gnomAD compares: African/African-American, 15%; 1,308 homozygotes.

Submission:

PreventionGenetics, part of Exact Sciences
Classification: Benign for GLI1-related condition. Last evaluated: 2019-02-21. Review status: no assertion criteria provided. Collection method: clinical testing. Allele origin: germline.
Comment: This variant is classified as benign based on ACMG/AMP sequence variant interpretation guidelines (Richards et al. 2015 PMID: 25741868, with internal and published modifications).

NM_005269.3(GLI1):c.786C>T (p.His262=)

Gene: GLI1 (GLI family zinc finger 1; plus strand). Cytogenetic location: 12q13.3.
Variant type: single nucleotide variant.
Coding change: c.786C>T on transcript NM_005269.3 (MANE Select); coding-DNA position 786, C replaced by T.
Protein change: p.His262=; no amino-acid change (histidine 262 retained).
Molecular consequence: synonymous variant.
Genome position (GRCh38, 1-based): chr12:57,466,263, C>T. VCF-style: chr12-57466263-C-T. GRCh37 (hg19) VCF-style: chr12-57860046-C-T.
Other names: c.402C>T, p.His134= (NM_001160045.2); c.663C>T, p.His221= (NM_001167609.2).
Identifiers: ClinVar variation 3056398 (VCV003056398.2), dbSNP rs7973381, ClinGen allele CA6648605.